The following is an entry in ClinVar:

NM_000094.4(COL7A1):c.3138A>G (p.Pro1046=)

Gene: COL7A1 (collagen type VII alpha 1 chain; minus strand). Cytogenetic location: 3p21.31.
Variant type: single nucleotide variant.
Coding change: c.3138A>G on transcript NM_000094.4 (MANE Select); coding-DNA position 3138, A replaced by G.
Protein change: p.Pro1046=; no amino-acid change (proline 1046 retained).
Molecular consequence: synonymous variant.
Genome position (GRCh38, 1-based): chr3:48,587,191, T>C on the plus strand (A>G on the coding strand, the complement: COL7A1 is on the minus strand). VCF-style: chr3-48587191-T-C. GRCh37 (hg19) VCF-style: chr3-48624624-T-C.
Identifiers: ClinVar variation 2058374 (VCV002058374.4), dbSNP rs2531226813, ClinGen allele CA433617281.
Genomic context (GRCh38, chr3:48,587,191, plus strand): 5'-CTGAAGCGGGCAGCCCACCCAGACACACCTTTCTGCCCTTCCCACTACGCCCACTATACC[T>C]GGCGTCTGTGTGACAGATGCCTCAGGACCCCGCACACCATCCAGGACAGGCGTCAGGGAG-3'
Protein context (NP_000085.1, residues 1036-1056): RGPEASVTQT[Pro1046=]VCPRGLADVV

ClinVar aggregate classification (germline): Uncertain significance (1 of 4 stars; one submission).

Submission:

Labcorp Genetics (formerly Invitae), Labcorp
Classification: Uncertain significance. Last evaluated: 2022-07-05. Review status: criteria provided, single submitter. Criteria: Invitae Variant Classification Sherloc (09022015). Collection method: clinical testing. Allele origin: germline.
Comment: Algorithms developed to predict the effect of sequence changes on RNA splicing suggest that this variant is not likely to affect RNA splicing. In summary, the available evidence is currently insufficient to determine the role of this variant in disease. Therefore, it has been classified as a Variant of Uncertain Significance. This variant has not been reported in the literature in individuals affected with COL7A1-related conditions. This variant is not present in population databases (gnomAD no frequency). This sequence change affects codon 1046 of the COL7A1 mRNA. It is a 'silent' change, meaning that it does not change the encoded amino acid sequence of the COL7A1 protein. It affects a nucleotide within the consensus splice site.